The following is an entry in ClinVar:

ClinVar aggregate classification (germline): Uncertain significance (1 of 4 stars; one submission).

Allele frequency attached by ClinVar (database versions not stated): gnomAD 0.00001.

Submission:

Labcorp Genetics (formerly Invitae), Labcorp
Classification: Uncertain significance. Last evaluated: 2024-02-12. Review status: criteria provided, single submitter. Criteria: Invitae Variant Classification Sherloc (09022015). Collection method: clinical testing. Allele origin: germline.
Comment: This sequence change replaces isoleucine, which is neutral and non-polar, with leucine, which is neutral and non-polar, at codon 542 of the CAPN5 protein (p.Ile542Leu). This variant is present in population databases (no rsID available, gnomAD 0.01%). This variant has not been reported in the literature in individuals affected with CAPN5-related conditions. ClinVar contains an entry for this variant (Variation ID: 1496098). An algorithm developed to predict the effect of missense changes on protein structure and function (PolyPhen-2) suggests that this variant is likely to be disruptive. In summary, the available evidence is currently insufficient to determine the role of this variant in disease. Therefore, it has been classified as a Variant of Uncertain Significance.

NM_004055.5(CAPN5):c.1624A>C (p.Ile542Leu)

Gene: CAPN5 (calpain 5; plus strand). Cytogenetic location: 11q13.5.
Variant type: single nucleotide variant.
Coding change: c.1624A>C on transcript NM_004055.5 (MANE Select); coding-DNA position 1624, A replaced by C.
Protein change: p.Ile542Leu; replaces isoleucine 542 with leucine.
Molecular consequence: missense variant.
Genome position (GRCh38, 1-based): chr11:77,122,596, A>C. VCF-style: chr11-77122596-A-C. GRCh37 (hg19) VCF-style: chr11-76833642-A-C.
Other names: short protein forms I542L.
Identifiers: ClinVar variation 1496098 (VCV001496098.8), dbSNP rs1555043077, ClinGen allele CA381944347.